The following is an entry in ClinVar:

NM_000059.4(BRCA2):c.516+18T>C

Gene: BRCA2 (BRCA2 DNA repair associated; plus strand). Cytogenetic location: 13q13.1.
Variant type: single nucleotide variant.
Coding change: c.516+18T>C on transcript NM_000059.4 (MANE Select); 18 bases into the intron after coding-DNA position 516, T replaced by C.
Molecular consequence: intron variant.
Genome position (GRCh38, 1-based): chr13:32,326,300, T>C. VCF-style: chr13-32326300-T-C. GRCh37 (hg19) VCF-style: chr13-32900437-T-C.
Other names: IVS6+18T>C.
Identifiers: ClinVar variation 51784 (VCV000051784.35), dbSNP rs81002834, ClinGen allele CA021464.

ClinVar aggregate classification (germline): Benign/Likely benign. Review status: criteria provided, multiple submitters, no conflicts (2 of 4 stars). 12 submissions from 12 submitters: Benign (6); Likely benign (2). 4 of the submissions do not count toward it. Last evaluated 2026-02-02.

Conditions:
BRCA2-related disorder. Also called: BRCA2-related condition; BRCA2-related disorders. Identifiers: MedGen CN239275.
Hereditary cancer-predisposing syndrome. Also called: Hereditary Cancer Syndrome; Neoplastic Syndromes, Hereditary; Hereditary neoplastic syndrome; Tumor predisposition. Identifiers: Orphanet 140162, MedGen C0027672, MeSH D009386, MONDO:0015356.
Hereditary breast ovarian cancer syndrome. Also called: Hereditary breast and ovarian cancer syndrome; Breast and ovarian cancer; BRCA1- and BRCA2-Associated Hereditary Breast and Ovarian Cancer; Hereditary breast and/or ovarian cancer syndrome; Hereditary breast and ovarian cancer; Hereditary breast and ovarian cancer syndrome (HBOC). Identifiers: Orphanet 145, MedGen C0677776, MeSH D061325, MONDO:0003582. Disease mechanism: loss of function.
Breast-ovarian cancer, familial, susceptibility to, 2 (BROVCA2). Also called: BRCA2 Hereditary Breast and Ovarian Cancer. Identifiers: Orphanet 145, MedGen C2675520, MONDO:0012933, OMIM 612555. Disease mechanism: loss of function.

Allele frequency attached by ClinVar (database versions not stated): gnomAD exomes 0.00005 and 0.00030; gnomAD 0.00009 and 0.00012; TOPMed 0.00015; ExAC 0.00034; 1000 Genomes Project 30x 0.00109; 1000 Genomes Project 0.00120.
gnomAD v4.1: 104 of 1,607,078 alleles (0.0065%); highest among the groups gnomAD compares: East Asian, 0.18%; 1 homozygote.

Submissions (12):

Labcorp Genetics (formerly Invitae), Labcorp
Classification: Benign for Hereditary breast ovarian cancer syndrome. Last evaluated: 2026-02-02. Review status: criteria provided, single submitter. Criteria: Invitae Variant Classification Sherloc (09022015). Collection method: clinical testing. Allele origin: germline.

PreventionGenetics, part of Exact Sciences
Classification: Likely benign for BRCA2-related condition. Last evaluated: 2025-11-11. Review status: criteria provided, single submitter. Criteria: ACMG Guidelines, 2015. Collection method: clinical testing. Allele origin: germline.
Comment: This variant is classified as likely benign based on ACMG/AMP sequence variant interpretation guidelines (Richards et al. 2015 PMID: 25741868, with internal and published modifications).

ARUP Laboratories, Molecular Genetics and Genomics, ARUP Laboratories
Classification: Benign. Last evaluated: 2025-06-06. Review status: criteria provided, single submitter. Criteria: ARUP Molecular Germline Variant Investigation Process 2024. Collection method: clinical testing. Allele origin: germline.

Center for Genomic Medicine, Rigshospitalet, Copenhagen University Hospital
Classification: Benign. Last evaluated: 2025-03-04. Review status: criteria provided, single submitter. Criteria: ACMG Guidelines, 2015. Collection method: clinical testing. Allele origin: germline.

Blueprint Genetics
Classification: Likely benign. Last evaluated: 2024-11-15. Review status: criteria provided, single submitter. Criteria: ACMG Guidelines, 2015. Collection method: clinical testing. Allele origin: germline.

Color Diagnostics, LLC DBA Color Health
Classification: Benign for Hereditary cancer-predisposing syndrome. Last evaluated: 2015-11-17. Review status: criteria provided, single submitter. Criteria: ACMG Guidelines, 2015. Collection method: clinical testing. Allele origin: germline.

Women's Health and Genetics/Laboratory Corporation of America, LabCorp
Classification: Benign for Hereditary breast ovarian cancer syndrome. Last evaluated: 2015-07-06. Review status: criteria provided, single submitter. Criteria: LabCorp Variant Classification Summary - May 2015. Collection method: clinical testing. Allele origin: germline.
Comment: Variant Summary: This variant involves the alteration of a non-conserved nucleotide resulting in an intronic change. This variant is located at a position that is not widely known to affect splicing, and 4/5 splicing prediction programs via Alamut predict no significant effect on splicing and mutation taster predicts the variant to be a polymorphism. The variant was observed in the large and broad cohorts of the ExAC project at an allele frequency of 0.03%, predominantly observed in the East Asian subpopulation at a frequency of 0.46% including 1 homozygous occurrence. This frequency exceeds the maximal expected allele frequency for a pathogenic variant in BRCA2 (0.075%), suggesting this is a benign polymorphism found primarily in population(s) of East Asian origin. Multiple reputable databases/clinical labs have classified the variant as benign (GeneDx, Invitae). UMD lists variant in 3 individuals with classification of "3-UV" and one individual had co-occurrence with a deleterious BRCA2 variant c.1212delT (p.Asn404LysfsX26). Lastly, there was no observed effect on splicing via mini-gene assay (Thomassen_2011). Considering all, this variant is classified as benign.

GeneDx
Classification: Benign. Last evaluated: 2014-08-16. Review status: criteria provided, single submitter. Criteria: GeneDx Variant Classification (06012015). Collection method: clinical testing. Allele origin: germline. Affected: yes.
Comment: This variant is considered likely benign or benign based on one or more of the following criteria: it is a conservative change, it occurs at a poorly conserved position in the protein, it is predicted to be benign by multiple in silico algorithms, and/or has population frequency not consistent with disease.

Breast Cancer Information Core (BIC) (BRCA2)
Classification: Uncertain significance for Breast-ovarian cancer, familial 2. Last evaluated: 1998-11-30. Review status: no assertion criteria provided. Collection method: clinical testing. Allele origin: germline. Affected: yes. Observed: 1 variant allele. Not counted in ClinVar's aggregate classification.

Clinical Genetics Laboratory, Department of Pathology, Netherlands Cancer Institute
Classification: Likely benign. Review status: no assertion criteria provided. Collection method: clinical testing. Allele origin: germline. Affected: yes. Study: VKGL Data-share Consensus. Not counted in ClinVar's aggregate classification.

Joint Genome Diagnostic Labs from Nijmegen and Maastricht, Radboudumc and MUMC+
Classification: Likely benign. Review status: no assertion criteria provided. Collection method: clinical testing. Allele origin: germline. Affected: yes. Study: VKGL Data-share Consensus. Not counted in ClinVar's aggregate classification.

Laboratory of Diagnostic Genome Analysis, Leiden University Medical Center (LUMC)
Classification: Benign. Review status: no assertion criteria provided. Collection method: clinical testing. Allele origin: germline. Affected: yes. Study: VKGL Data-share Consensus. Not counted in ClinVar's aggregate classification.

Literature cited by the submitters: PubMed 9971877 (cited by Women's Health and Genetics/Laboratory Corporation of America, LabCorp); PubMed 21769658 (cited by Women's Health and Genetics/Laboratory Corporation of America, LabCorp); PubMed 19267246 (cited by Women's Health and Genetics/Laboratory Corporation of America, LabCorp).